The following is an entry in ClinVar:

ClinVar aggregate classification (germline): Uncertain significance (1 of 4 stars; one submission).

Submission:

Labcorp Genetics (formerly Invitae), Labcorp
Classification: Uncertain significance. Last evaluated: 2025-11-28. Review status: criteria provided, single submitter. Criteria: Invitae Variant Classification Sherloc (09022015). Collection method: clinical testing. Allele origin: germline.
Comment: This sequence change creates a premature translational stop signal (p.Gln66*) in the SAMD9 gene. While this is not anticipated to result in nonsense mediated decay, it is expected to disrupt the last 1524 amino acid(s) of the SAMD9 protein. This variant is not present in population databases (gnomAD no frequency). This variant has not been reported in the literature in individuals affected with SAMD9-related conditions. Experimental studies and prediction algorithms are not available or were not evaluated, and the functional significance of this variant is currently unknown. In summary, the available evidence is currently insufficient to determine the role of this variant in disease. Therefore, it has been classified as a Variant of Uncertain Significance.

NM_017654.4(SAMD9):c.196C>T (p.Gln66Ter)

Gene: SAMD9 (sterile alpha motif domain containing 9; minus strand). Cytogenetic location: 7q21.2.
Variant type: single nucleotide variant.
Coding change: c.196C>T on transcript NM_017654.4 (MANE Select); coding-DNA position 196, C replaced by T.
Protein change: p.Gln66Ter; replaces glutamine 66 with a stop codon.
Molecular consequence: nonsense.
Genome position (GRCh38, 1-based): chr7:93,105,902, G>A on the plus strand (C>T on the coding strand, the complement: SAMD9 is on the minus strand). VCF-style: chr7-93105902-G-A. GRCh37 (hg19) VCF-style: chr7-92735215-G-A.
Other names: c.196C>T, p.Gln66Ter (NM_001193307.2); short protein forms Q66*.
Identifiers: ClinVar variation 4732209 (VCV004732209.1).